The following is an entry in ClinVar:

ClinVar aggregate classification (germline): Uncertain significance (1 of 4 stars; one submission).

Conditions:
Hereditary breast ovarian cancer syndrome. Also called: BRCA1- and BRCA2-Associated Hereditary Breast and Ovarian Cancer; Hereditary breast and ovarian cancer; Hereditary breast and ovarian cancer syndrome; Breast and ovarian cancer; Hereditary breast and/or ovarian cancer syndrome; Hereditary breast and ovarian cancer syndrome (HBOC). Identifiers: Orphanet 145, MedGen C0677776, MeSH D061325, MONDO:0003582. Disease mechanism: loss of function.

Submission:

Labcorp Genetics (formerly Invitae), Labcorp
Classification: Uncertain significance for Hereditary breast ovarian cancer syndrome. Last evaluated: 2020-04-17. Review status: criteria provided, single submitter. Criteria: Invitae Variant Classification Sherloc (09022015). Collection method: clinical testing. Allele origin: germline.
Comment: In summary, the available evidence is currently insufficient to determine the role of this variant in disease. Therefore, it has been classified as a Variant of Uncertain Significance. This sequence change replaces alanine with serine at codon 3023 of the BRCA2 protein (p.Ala3023Ser). The alanine residue is moderately conserved and there is a moderate physicochemical difference between alanine and serine. This variant is not present in population databases (ExAC no frequency). This variant has not been reported in the literature in individuals with BRCA2-related conditions. Algorithms developed to predict the effect of missense changes on protein structure and function are either unavailable or do not agree on the potential impact of this missense change (SIFT: "Tolerated"; PolyPhen-2: "Possibly Damaging"; Align-GVGD: "Class C0").

NM_000059.4(BRCA2):c.9067G>T (p.Ala3023Ser)

Gene: BRCA2 (BRCA2 DNA repair associated; plus strand). Cytogenetic location: 13q13.1.
Variant type: single nucleotide variant.
Coding change: c.9067G>T on transcript NM_000059.4 (MANE Select); coding-DNA position 9067, G replaced by T.
Protein change: p.Ala3023Ser; replaces alanine 3023 with serine.
Molecular consequence: missense variant.
Genome position (GRCh38, 1-based): chr13:32,379,863, G>T. VCF-style: chr13-32379863-G-T. GRCh37 (hg19) VCF-style: chr13-32954000-G-T.
Other names: short protein forms A3023S.
Identifiers: ClinVar variation 1009212 (VCV001009212.9), dbSNP rs1593937575, ClinGen allele CA387757577.